The following is an entry in ClinVar:

NM_006073.4(TRDN):c.425-11T>G

Gene: TRDN (triadin; minus strand). Cytogenetic location: 6q22.31.
Variant type: single nucleotide variant.
Coding change: c.425-11T>G on transcript NM_006073.4 (MANE Select); 11 bases into the intron before coding-DNA position 425, T replaced by G.
Molecular consequence: intron variant.
Genome position (GRCh38, 1-based): chr6:123,530,576, A>C on the plus strand (T>G on the coding strand, the complement: TRDN is on the minus strand). VCF-style: chr6-123530576-A-C. GRCh37 (hg19) VCF-style: chr6-123851721-A-C.
Other names: c.425-11T>G (NM_001251987.2, NM_001256020.2, NM_001256021.2 and 1 more transcripts).
Identifiers: ClinVar variation 2020809 (VCV002020809.3), dbSNP rs2114339291, ClinGen allele CA2580074870.

ClinVar aggregate classification (germline): Uncertain significance (1 of 4 stars; one submission).

Conditions:
Catecholaminergic polymorphic ventricular tachycardia 1. Also called: VENTRICULAR TACHYCARDIA, CATECHOLAMINERGIC POLYMORPHIC, 1, WITH OR WITHOUT ATRIAL DYSFUNCTION AND/OR DILATED CARDIOMYOPATHY; RYR2-Related Catecholaminergic Polymorphic Ventricular Tachycardia; VENTRICULAR TACHYCARDIA, STRESS-INDUCED POLYMORPHIC 1. Identifiers: Orphanet 3286, MedGen C1631597, MONDO:0011484, OMIM 604772.

Allele frequency attached by ClinVar (database versions not stated): gnomAD exomes below 0.00001.
gnomAD v4.1: 1 of 1,220,764 alleles (0.000082%); highest among the groups gnomAD compares: Non-Finnish European, 0.00011%; no homozygotes.

Submission:

Labcorp Genetics (formerly Invitae), Labcorp
Classification: Uncertain significance for Catecholaminergic polymorphic ventricular tachycardia 1. Last evaluated: 2022-07-30. Review status: criteria provided, single submitter. Criteria: Invitae Variant Classification Sherloc (09022015). Collection method: clinical testing. Allele origin: germline.
Comment: Algorithms developed to predict the effect of sequence changes on RNA splicing suggest that this variant may disrupt the consensus splice site. This variant has not been reported in the literature in individuals affected with TRDN-related conditions. This variant is not present in population databases (gnomAD no frequency). This sequence change falls in intron 4 of the TRDN gene. It does not directly change the encoded amino acid sequence of the TRDN protein. In summary, the available evidence is currently insufficient to determine the role of this variant in disease. Therefore, it has been classified as a Variant of Uncertain Significance.